The following is an entry in ClinVar:

NM_001148.6(ANK2):c.7060C>T (p.Arg2354Cys)

Genes: ANK2 (ankyrin 2; plus strand), LOC126807137 (CDK7 strongly-dependent group 2 enhancer GRCh37_chr4:114276560-114277759; plus strand). Cytogenetic location: 4q26.
Variant type: single nucleotide variant.
Coding change: c.7060C>T on transcript NM_001148.6 (MANE Select); coding-DNA position 7060, C replaced by T.
Protein change: p.Arg2354Cys; replaces arginine 2354 with cysteine.
Molecular consequence: missense variant. On other transcripts: intron variant (68).
Genome position (GRCh38, 1-based): chr4:113,355,678, C>T. VCF-style: chr4-113355678-C-T. GRCh37 (hg19) VCF-style: chr4-114276834-C-T.
Other names: c.6826C>T, p.Arg2276Cys (NM_001386142.1); c.3460C>T, p.Arg1154Cys (NM_001386166.1); c.7201C>T, p.Arg2401Cys (NM_001386174.1); c.7177C>T, p.Arg2393Cys (NM_001386175.1); c.4412-5145C>T (NM_001386186.2, NM_001386148.2); c.4214-5145C>T (NM_001354269.3); c.4292-5145C>T (NM_001386187.2); c.4253-5145C>T (NM_001386147.1); and 35 more; short protein forms R1154C, R2276C, R2354C, R2393C, R2401C.
Identifiers: ClinVar variation 1023308 (VCV001023308.5), dbSNP rs752092273, ClinGen allele CA3051521.

ClinVar aggregate classification (germline): Uncertain significance (1 of 4 stars; one submission).

Conditions:
Long QT syndrome (LQTS). Identifiers: MedGen C0023976, MeSH D008133, MONDO:0002442. Disease mechanism: loss of function. Inheritance: Various modes of inheritance.

Allele frequency attached by ClinVar (database versions not stated): gnomAD exomes 0.00001 and 0.00002; ExAC 0.00002; gnomAD 0.00002.
gnomAD v4.1: 23 of 1,614,000 alleles (0.0014%); highest among the groups gnomAD compares: Admixed American, 0.0067%; no homozygotes.

Submission:

Labcorp Genetics (formerly Invitae), Labcorp
Classification: Uncertain significance for Long QT syndrome. Last evaluated: 2023-04-24. Review status: criteria provided, single submitter. Criteria: Invitae Variant Classification Sherloc (09022015). Collection method: clinical testing. Allele origin: germline.
Comment: Algorithms developed to predict the effect of missense changes on protein structure and function output the following: SIFT: "Not Available"; PolyPhen-2: "Benign"; Align-GVGD: "Not Available". The cysteine amino acid residue is found in multiple mammalian species, which suggests that this missense change does not adversely affect protein function. In summary, the available evidence is currently insufficient to determine the role of this variant in disease. Therefore, it has been classified as a Variant of Uncertain Significance. ClinVar contains an entry for this variant (Variation ID: 1023308). This sequence change replaces arginine, which is basic and polar, with cysteine, which is neutral and slightly polar, at codon 2354 of the ANK2 protein (p.Arg2354Cys). This variant is present in population databases (rs752092273, gnomAD 0.006%). This variant has not been reported in the literature in individuals affected with ANK2-related conditions.